The following is an entry in ClinVar:

ClinVar aggregate classification (germline): Likely benign (0 of 4 stars; one submission).

Conditions:
DUSP22-related disorder. Also called: DUSP22-related condition.

Allele frequency attached by ClinVar (database versions not stated): gnomAD exomes 0.00001; ExAC 0.00003; gnomAD 0.00010.
gnomAD v4.1: 36 of 1,613,058 alleles (0.0022%); highest among the groups gnomAD compares: African/African-American, 0.039%; no homozygotes.

Submission:

PreventionGenetics, part of Exact Sciences
Classification: Likely benign for DUSP22-related condition. Last evaluated: 2023-01-20. Review status: no assertion criteria provided. Collection method: clinical testing. Allele origin: germline.
Comment: This variant is classified as likely benign based on ACMG/AMP sequence variant interpretation guidelines (Richards et al. 2015 PMID: 25741868, with internal and published modifications).

NM_001286555.3(DUSP22):c.189-4C>T

Gene: DUSP22 (dual specificity phosphatase 22; plus strand). Cytogenetic location: 6p25.3.
Variant type: single nucleotide variant.
Coding change: c.189-4C>T on transcript NM_001286555.3 (MANE Select); 4 bases into the intron before coding-DNA position 189, C replaced by T.
Molecular consequence: intron variant.
Genome position (GRCh38, 1-based): chr6:345,850, C>T. VCF-style: chr6-345850-C-T. GRCh37 (hg19) VCF-style: chr6-345850-C-T.
Other names: c.189-4C>T (NM_020185.6).
Identifiers: ClinVar variation 3035996 (VCV003035996.2), dbSNP rs764036547, ClinGen allele CA3612270.